The following is an entry in ClinVar:

ClinVar aggregate classification (germline): Likely benign. Review status: criteria provided, multiple submitters, no conflicts (2 of 4 stars). 2 submissions from 2 submitters: Likely benign (2). Last evaluated 2025-02-05.

Conditions:
Catecholaminergic polymorphic ventricular tachycardia 1. Also called: VENTRICULAR TACHYCARDIA, CATECHOLAMINERGIC POLYMORPHIC, 1, WITH OR WITHOUT ATRIAL DYSFUNCTION AND/OR DILATED CARDIOMYOPATHY; VENTRICULAR TACHYCARDIA, STRESS-INDUCED POLYMORPHIC 1; RYR2-Related Catecholaminergic Polymorphic Ventricular Tachycardia. Identifiers: Orphanet 3286, MedGen C1631597, MONDO:0011484, OMIM 604772.
Catecholaminergic polymorphic ventricular tachycardia (CVPT). Also called: Catecholamine-induced polymorphic ventricular tachycardia. Identifiers: Orphanet 3286, MedGen C5574922, MONDO:0017990.

Allele frequency attached by ClinVar (database versions not stated): ExAC 0.00001; gnomAD exomes 0.00001.
gnomAD v4.1: 7 of 1,613,930 alleles (0.00043%); highest among the groups gnomAD compares: Middle Eastern, 0.016%; no homozygotes.

Submissions (2):

Labcorp Genetics (formerly Invitae), Labcorp
Classification: Likely benign for Catecholaminergic polymorphic ventricular tachycardia 1. Last evaluated: 2025-02-05. Review status: criteria provided, single submitter. Criteria: Invitae Variant Classification Sherloc (09022015). Collection method: clinical testing. Allele origin: germline.

All of Us Research Program, National Institutes of Health
Classification: Likely benign for Catecholaminergic polymorphic ventricular tachycardia. Last evaluated: 2023-10-02. Review status: criteria provided, single submitter. Criteria: ACMG Guidelines, 2015. Collection method: clinical testing. Allele origin: germline. Inheritance: Autosomal dominant inheritance. Observed: 2 variant alleles, 2 heterozygotes.
Comment: This study involves interpretation of variants in research participants for the purpose of population health screening. Participant phenotype was not available at the time of variant classification. Additional details can be found in publication PMID: 35346344, PMCID: PMC8962531

NM_001035.3(RYR2):c.3015T>C (p.Asn1005=)

Gene: RYR2 (ryanodine receptor 2; plus strand). Cytogenetic location: 1q43.
Variant type: single nucleotide variant.
Coding change: c.3015T>C on transcript NM_001035.3 (MANE Select); coding-DNA position 3015, T replaced by C.
Protein change: p.Asn1005=; no amino-acid change (asparagine 1005 retained).
Molecular consequence: synonymous variant.
Genome position (GRCh38, 1-based): chr1:237,548,539, T>C. VCF-style: chr1-237548539-T-C. GRCh37 (hg19) VCF-style: chr1-237711839-T-C.
Identifiers: ClinVar variation 1614444 (VCV001614444.8), dbSNP rs758290360, ClinGen allele CA070783.